The following is an entry in ClinVar:

NM_001352027.3(PHF21A):c.1032_1035del (p.Thr345fs)

Gene: PHF21A (PHD finger protein 21A; minus strand). Cytogenetic location: 11p11.2.
Variant type: Microsatellite.
Coding change: c.1032_1035del on transcript NM_001352027.3 (MANE Select); coding-DNA positions 1032 to 1035, 4 bases deleted (AACA; older notation c.1032_1035delAACA).
Protein change: p.Thr345fs; shifts the reading frame from threonine 345.
Molecular consequence: frameshift variant. On other transcripts: non-coding transcript variant (2).
Genome position (GRCh38, 1-based): chr11:45,953,587-45,953,590, TGTT deleted on the plus strand (AACA on the coding strand, the reverse complement: PHF21A is on the minus strand); deleting any 4 consecutive bases within chr11:45,953,587-45,953,595 gives the same sequence; the c. name uses the placement nearest the transcript's 3' end. VCF-style (leftmost placement, unchanged base first): chr11-45953586-CTGTT-C. GRCh37 (hg19) VCF-style: chr11-45975137-CTGTT-C.
Other names: c.1029_1032del, p.Thr344fs (NM_001101802.3, NM_001352030.3, NM_001352031.3 and 1 more transcripts); c.1032_1035del, p.Thr345fs (NM_001352025.3, NM_001352026.3, NM_001352028.1 and 2 more transcripts); short protein forms T344fs, T345fs.
Identifiers: ClinVar variation 986205 (VCV000986205.5), dbSNP rs2092369866, ClinGen allele CA645582197.

ClinVar aggregate classification (germline): Pathogenic. Review status: criteria provided, multiple submitters, no conflicts (2 of 4 stars). 3 submissions from 3 submitters: Pathogenic (3). Last evaluated 2022-11-28.

Conditions:
Intellectual developmental disorder with behavioral abnormalities and craniofacial dysmorphism with or without seizures. Identifiers: MedGen C5231476, MONDO:0032883, OMIM 618725.
Inborn genetic diseases. Identifiers: MedGen C0950123, MeSH D030342.

Submissions (3):

GeneDx
Classification: Pathogenic. Last evaluated: 2022-11-28. Review status: criteria provided, single submitter. Criteria: GeneDx Variant Classification Process June 2021. Collection method: clinical testing. Allele origin: germline. Affected: yes.
Comment: Frameshift variant predicted to result in protein truncation or nonsense mediated decay in a gene for which loss-of-function is a known mechanism of disease; Not observed at significant frequency in large population cohorts (gnomAD); Has not been previously published as pathogenic or benign to our knowledge

Victorian Clinical Genetics Services, Murdoch Childrens Research Institute
Classification: Pathogenic for Intellectual developmental disorder with behavioral abnormalities and craniofacial dysmorphism with or without seizures. Last evaluated: 2020-10-19. Review status: criteria provided, single submitter. Criteria: ACMG Guidelines, 2015. Collection method: clinical testing. Allele origin: germline. Inheritance: Autosomal dominant inheritance.
Comment: Based on the classification scheme VCGS_Germline_v1.3.3, this variant is classified as 5-Pathogenic. Following criteria are met: 0102 - Loss of function is suggested mechanism of disease in this gene and is associated with neurodevelopmental disorder with macrocephaly and seizures (MIM#618725) which has been described to be part of the Potocki-Shaffer Syndrome (MIM#601224). Although loss of function leading to haploinsufficiency has been suggested, there is currently limited evidence confirming this observation in the literature (PMIDs: 22770980; 2857172). (I) 0107 - This gene is associated with autosomal dominant disease. (I) 0201 - Variant is predicted to cause nonsense-mediated decay (NMD) and loss of protein (premature termination codon is located at least 54 nucleotides upstream of the final exon-exon junction). (SP) 0251 - This variant is heterozygous. (I) 0301 - Variant is absent from gnomAD (both v2 and v3). (SP) 0701 - Other NMD-predicted variants comparable to the one identified in this case have very strong previous evidence for pathogenicity. At least nine NMD-predicted variants have been reported in affected individuals (ClinVar; Decipher; PMIDs: 30487643, 31649809). (SP) 0807 - This variant has no previous evidence of pathogenicity. (I) 0905 - No published segregation evidence has been identified for this variant. (I) 1007 - No published functional evidence has been identified for this variant. (SP) Legend: (SP) - Supporting pathogenic, (I) - Information, (SB) - Supporting benign

Ambry Genetics
Classification: Pathogenic for Inborn genetic diseases. Last evaluated: 2018-02-27. Review status: criteria provided, single submitter. Criteria: Ambry exome assertion method (8-5-2015). Collection method: clinical testing. Allele origin: germline. Affected: yes. Observed: 1 variant allele.

Literature cited by the submitters: PubMed 2857172 (cited by Victorian Clinical Genetics Services, Murdoch Childrens Research Institute); PubMed 22770980 (cited by Victorian Clinical Genetics Services, Murdoch Childrens Research Institute); PubMed 30487643 (cited by Victorian Clinical Genetics Services, Murdoch Childrens Research Institute); PubMed 31649809 (cited by Victorian Clinical Genetics Services, Murdoch Childrens Research Institute).